The following is an entry in ClinVar:

ClinVar aggregate classification (germline): Conflicting classifications of pathogenicity. Review status: criteria provided, conflicting classifications (1 of 4 stars). 5 submissions from 5 submitters: Uncertain significance (1); Likely benign (4). Last evaluated 2026-01-05.

Conditions:
Baraitser-winter syndrome 2. Identifiers: Orphanet 2995, MedGen C3281235, MONDO:0013812, OMIM 614583.
Autosomal dominant nonsyndromic hearing loss 20. Identifiers: Orphanet 90635, MedGen C1858172, MONDO:0011480, OMIM 604717.
ACTG1-related disorder. Also called: ACTG1-related condition; ACTG1-related disorders.

Allele frequency attached by ClinVar (database versions not stated): gnomAD 0.00001 and 0.00003; TOPMed 0.00002; 1000 Genomes Project 30x 0.00016; 1000 Genomes Project 0.00020.
gnomAD v4.1: 23 of 1,613,514 alleles (0.0014%); highest among the groups gnomAD compares: Admixed American, 0.0067%; no homozygotes.

Submissions (5):

Labcorp Genetics (formerly Invitae), Labcorp
Classification: Likely benign for Baraitser-winter syndrome 2; Autosomal dominant nonsyndromic hearing loss 20. Last evaluated: 2026-01-05. Review status: criteria provided, single submitter. Criteria: Invitae Variant Classification Sherloc (09022015). Collection method: clinical testing. Allele origin: germline.

PreventionGenetics, part of Exact Sciences
Classification: Likely benign for ACTG1-related condition. Last evaluated: 2025-07-30. Review status: criteria provided, single submitter. Criteria: ACMG Guidelines, 2015. Collection method: clinical testing. Allele origin: germline.
Comment: This variant is classified as likely benign based on ACMG/AMP sequence variant interpretation guidelines (Richards et al. 2015 PMID: 25741868, with internal and published modifications).

Blueprint Genetics
Classification: Likely benign. Last evaluated: 2024-10-15. Review status: criteria provided, single submitter. Criteria: ACMG Guidelines, 2015. Collection method: clinical testing. Allele origin: germline.

GeneDx
Classification: Likely benign. Last evaluated: 2017-10-13. Review status: criteria provided, single submitter. Criteria: GeneDx Variant Classification (06012015). Collection method: clinical testing. Allele origin: germline. Affected: yes.
Comment: This variant is considered likely benign or benign based on one or more of the following criteria: it is a conservative change, it occurs at a poorly conserved position in the protein, it is predicted to be benign by multiple in silico algorithms, and/or has population frequency not consistent with disease.

Center for Pediatric Genomic Medicine, Children's Mercy Hospital and Clinics
Classification: Uncertain significance. Last evaluated: 2016-11-10. Review status: criteria provided, single submitter. Criteria: ACMG Guidelines, 2015. Collection method: clinical testing. Allele origin: germline.
ClinVar note: Converted during submission from Uncertain Significance to Uncertain significance.

NM_001614.5(ACTG1):c.123+8G>A

Gene: ACTG1 (actin gamma 1; minus strand). Cytogenetic location: 17q25.3.
Variant type: single nucleotide variant.
Coding change: c.123+8G>A on transcript NM_001614.5 (MANE Select); 8 bases into the intron after coding-DNA position 123, G replaced by A.
Molecular consequence: intron variant.
Genome position (GRCh38, 1-based): chr17:81,512,224, C>T on the plus strand (G>A on the coding strand, the complement: ACTG1 is on the minus strand). VCF-style: chr17-81512224-C-T. GRCh37 (hg19) VCF-style: chr17-79479250-C-T.
Other names: c.123+8G>A (NM_001199954.3).
Identifiers: ClinVar variation 376925 (VCV000376925.10), dbSNP rs536476533, ClinGen allele CA8836381.